The following is an entry in ClinVar:

NM_004946.3(DOCK2):c.606+2T>G

Gene: DOCK2 (dedicator of cytokinesis 2; plus strand). Cytogenetic location: 5q35.1.
Variant type: single nucleotide variant.
Coding change: c.606+2T>G on transcript NM_004946.3 (MANE Select); the canonical splice donor site of the intron after coding-DNA position 606, T replaced by G.
Molecular consequence: splice donor variant.
Genome position (GRCh38, 1-based): chr5:169,681,881, T>G. VCF-style: chr5-169681881-T-G. GRCh37 (hg19) VCF-style: chr5-169108885-T-G.
Identifiers: ClinVar variation 2832202 (VCV002832202.3), dbSNP rs2532490041, ClinGen allele CA362103449.
Genomic context (GRCh38, chr5:169,681,881, plus strand): 5'-TGTTCCATGCACATGAGGAAGCAACTGATAAAATCACAGAGCGTATCAAAGAAGAAATGG[T>G]GAGCTTTACTAAATAGGCTTTGGCCAAGTGATACAATCATTTAGCACATCATAAACTTAA-3'

ClinVar aggregate classification (germline): Likely pathogenic (1 of 4 stars; one submission).

Conditions:
DOCK2 deficiency. Also called: Immunodeficiency 40. Identifiers: Orphanet 447737, MedGen C4225328, MONDO:0014637, OMIM 616433.

Submission:

Labcorp Genetics (formerly Invitae), Labcorp
Classification: Likely pathogenic for DOCK2 deficiency. Last evaluated: 2023-02-03. Review status: criteria provided, single submitter. Criteria: Invitae Variant Classification Sherloc (09022015). Collection method: clinical testing. Allele origin: germline.
Comment: This sequence change affects a donor splice site in intron 7 of the DOCK2 gene. It is expected to disrupt RNA splicing. Variants that disrupt the donor or acceptor splice site typically lead to a loss of protein function (PMID: 16199547), and loss-of-function variants in DOCK2 are known to be pathogenic (PMID: 26083206). This variant is not present in population databases (gnomAD no frequency). This variant has not been reported in the literature in individuals affected with DOCK2-related conditions. Algorithms developed to predict the effect of sequence changes on RNA splicing suggest that this variant may disrupt the consensus splice site. In summary, the currently available evidence indicates that the variant is pathogenic, but additional data are needed to prove that conclusively. Therefore, this variant has been classified as Likely Pathogenic.

Literature cited by the submitters: PubMed 16199547; PubMed 26083206.